The following is an entry in ClinVar:

ClinVar aggregate classification (germline): Uncertain significance. Review status: criteria provided, multiple submitters, no conflicts (2 of 4 stars). 2 submissions from 2 submitters: Uncertain significance (2). Last evaluated 2024-11-25.

Conditions:
Inborn genetic diseases. Identifiers: MedGen C0950123, MeSH D030342.

Allele frequency attached by ClinVar (database versions not stated): gnomAD 0.00001; gnomAD exomes 0.00001; TOPMed 0.00001.
gnomAD v4.1: 10 of 1,613,990 alleles (0.00062%); highest among the groups gnomAD compares: Non-Finnish European, 0.00085%; no homozygotes.

Submissions (2):

Ambry Genetics
Classification: Uncertain significance for Inborn genetic diseases. Last evaluated: 2024-11-25. Review status: criteria provided, single submitter. Criteria: Ambry Variant Classification Scheme 2023. Collection method: clinical testing. Allele origin: germline.
Comment: The p.S102T variant (also known as c.304T>A), located in coding exon 1 of the SAMD9 gene, results from a T to A substitution at nucleotide position 304. The serine at codon 102 is replaced by threonine, an amino acid with similar properties. This amino acid position is conserved. In addition, this alteration is predicted to be tolerated by in silico analysis. Based on the available evidence, the clinical significance of this variant remains unclear.

GeneDx
Classification: Uncertain significance. Last evaluated: 2023-04-11. Review status: criteria provided, single submitter. Criteria: GeneDx Variant Classification Process June 2021. Collection method: clinical testing. Allele origin: germline. Affected: yes.
Comment: Not observed at significant frequency in large population cohorts (gnomAD); In silico analysis supports that this missense variant does not alter protein structure/function; Has not been previously published as pathogenic or benign to our knowledge

NM_017654.4(SAMD9):c.304T>A (p.Ser102Thr)

Gene: SAMD9 (sterile alpha motif domain containing 9; minus strand). Cytogenetic location: 7q21.2.
Variant type: single nucleotide variant.
Coding change: c.304T>A on transcript NM_017654.4 (MANE Select); coding-DNA position 304, T replaced by A.
Protein change: p.Ser102Thr; replaces serine 102 with threonine.
Molecular consequence: missense variant.
Genome position (GRCh38, 1-based): chr7:93,105,794, A>T on the plus strand (T>A on the coding strand, the complement: SAMD9 is on the minus strand). VCF-style: chr7-93105794-A-T. GRCh37 (hg19) VCF-style: chr7-92735107-A-T.
Other names: c.304T>A, p.Ser102Thr (NM_001193307.2); short protein forms S102T.
Identifiers: ClinVar variation 2662552 (VCV002662552.3), dbSNP rs201390140, ClinGen allele CA161995036.